The following is an entry in ClinVar:

ClinVar aggregate classification (germline): Likely benign (1 of 4 stars; one submission).

Allele frequency attached by ClinVar (database versions not stated): gnomAD 0.00155; 1000 Genomes Project 0.00160; 1000 Genomes Project 30x 0.00172; ExAC 0.00174; ESP Exome Variant Server 0.00176; gnomAD exomes 0.00241.
gnomAD v4.1: 3,753 of 1,613,862 alleles (0.23%); highest among the groups gnomAD compares: Non-Finnish European, 0.28%; 8 homozygotes.

Submission:

CeGaT Center for Human Genetics Tuebingen
Classification: Likely benign. Last evaluated: 2026-09-01. Review status: criteria provided, single submitter. Criteria: CeGaT Center For Human Genetics Tuebingen Variant Classification Criteria Version 2. Collection method: clinical testing. Allele origin: germline. Affected: yes. Observed: 10 variant alleles.
Comment: ZNF292: BP4, BP7, BS1

NM_015021.3(ZNF292):c.3426T>A (p.Ala1142=)

Gene: ZNF292 (zinc finger protein 292; plus strand). Cytogenetic location: 6q14.3.
Variant type: single nucleotide variant.
Coding change: c.3426T>A on transcript NM_015021.3 (MANE Select); coding-DNA position 3426, T replaced by A.
Protein change: p.Ala1142=; no amino-acid change (alanine 1142 retained).
Molecular consequence: synonymous variant.
Genome position (GRCh38, 1-based): chr6:87,257,055, T>A. VCF-style: chr6-87257055-T-A. GRCh37 (hg19) VCF-style: chr6-87966773-T-A.
Other names: c.3006T>A, p.Ala1002= (NM_001351444.2).
Identifiers: ClinVar variation 2656744 (VCV002656744.24), dbSNP rs41273273, ClinGen allele CA3914109.
Genomic context (GRCh38, chr6:87,257,055, plus strand): 5'-ACACCCTGACCAATATGCTGCATTTAAAATGCAGCGCAAAAGTAAAAAAGGTCAGAAAGC[T>A]AACAACTTAAATACACCAAATAATGGAAAGTTTGTTTATTTTTTGCCATCACCGGTGAAC-3'
Protein context (NP_055836.1, residues 1132-1152): MQRKSKKGQK[Ala1142=]NNLNTPNNGK